The following is an entry in ClinVar:

NM_001371596.2(MFSD8):c.4G>A (p.Ala2Thr)

Gene: MFSD8 (major facilitator superfamily domain containing 8; minus strand). Cytogenetic location: 4q28.2.
Variant type: single nucleotide variant.
Coding change: c.4G>A on transcript NM_001371596.2 (MANE Select); coding-DNA position 4, G replaced by A.
Protein change: p.Ala2Thr; replaces alanine 2 with threonine.
Molecular consequence: missense variant. On other transcripts: 5 prime UTR variant (1), intron variant (2).
Genome position (GRCh38, 1-based): chr4:127,965,130, C>T on the plus strand (G>A on the coding strand, the complement: MFSD8 is on the minus strand). VCF-style: chr4-127965130-C-T. GRCh37 (hg19) VCF-style: chr4-128886285-C-T.
Other names: c.4G>A, p.Ala2Thr (NM_001363520.3, NM_001363521.3, NM_001371591.2 and 5 more transcripts); c.-130G>A (NM_001371595.1); c.-74+767G>A (NM_001410765.1, NM_001371590.2); short protein forms A2T.
Identifiers: ClinVar variation 2197809 (VCV002197809.3), dbSNP rs796052740, ClinGen allele CA358165993.

ClinVar aggregate classification (germline): Uncertain significance (1 of 4 stars; one submission).

Conditions:
Neuronal ceroid lipofuscinosis 7 (CLN7). Also called: MFSD8-Related Neuronal Ceroid-Lipofuscinosis. Identifiers: Orphanet 168491, Orphanet 228366, MedGen C1838571, MONDO:0012588, OMIM 610951.

Submission:

Labcorp Genetics (formerly Invitae), Labcorp
Classification: Uncertain significance for Neuronal ceroid lipofuscinosis 7. Last evaluated: 2024-10-22. Review status: criteria provided, single submitter. Criteria: Invitae Variant Classification Sherloc (09022015). Collection method: clinical testing. Allele origin: germline.
Comment: This sequence change replaces alanine, which is neutral and non-polar, with threonine, which is neutral and polar, at codon 2 of the MFSD8 protein (p.Ala2Thr). This variant is not present in population databases (gnomAD no frequency). This variant has not been reported in the literature in individuals affected with MFSD8-related conditions. ClinVar contains an entry for this variant (Variation ID: 2197809). An algorithm developed to predict the effect of missense changes on protein structure and function (PolyPhen-2) suggests that this variant is likely to be disruptive. In summary, the available evidence is currently insufficient to determine the role of this variant in disease. Therefore, it has been classified as a Variant of Uncertain Significance.